The following is an entry in ClinVar:

ClinVar aggregate classification (germline): Uncertain significance. Review status: criteria provided, multiple submitters, no conflicts (2 of 4 stars). 2 submissions from 2 submitters: Uncertain significance (2). Last evaluated 2025-02-19.

Conditions:
Primary ciliary dyskinesia 32. Also called: CILIARY DYSKINESIA, PRIMARY, 32, WITHOUT SITUS INVERSUS. Identifiers: Orphanet 244, MedGen C4225311, MONDO:0014657, OMIM 616481.
Inborn genetic diseases. Identifiers: MedGen C0950123, MeSH D030342.

Allele frequency attached by ClinVar (database versions not stated): gnomAD exomes below 0.00001; TOPMed 0.00001.
gnomAD v4.1: 3 of 1,613,300 alleles (0.00019%); highest among the groups gnomAD compares: Non-Finnish European, 0.000085%; no homozygotes.

Submissions (2):

Ambry Genetics
Classification: Uncertain significance for Inborn genetic diseases. Last evaluated: 2025-02-19. Review status: criteria provided, single submitter. Criteria: Ambry Variant Classification Scheme 2023. Collection method: clinical testing. Allele origin: germline.

Labcorp Genetics (formerly Invitae), Labcorp
Classification: Uncertain significance for Primary ciliary dyskinesia 32. Last evaluated: 2022-03-28. Review status: criteria provided, single submitter. Criteria: Invitae Variant Classification Sherloc (09022015). Collection method: clinical testing. Allele origin: germline.
Comment: In summary, the available evidence is currently insufficient to determine the role of this variant in disease. Therefore, it has been classified as a Variant of Uncertain Significance. Algorithms developed to predict the effect of missense changes on protein structure and function output the following: SIFT: "Tolerated"; PolyPhen-2: "Benign"; Align-GVGD: "Class C0". The arginine amino acid residue is found in multiple mammalian species, which suggests that this missense change does not adversely affect protein function. This variant has not been reported in the literature in individuals affected with RSPH3-related conditions. This variant is not present in population databases (gnomAD no frequency). This sequence change replaces glycine, which is neutral and non-polar, with arginine, which is basic and polar, at codon 28 of the RSPH3 protein (p.Gly28Arg).

NM_031924.8(RSPH3):c.-345G>C

Genes: RSPH3 (radial spoke head 3; minus strand), TAGAP-AS1 (TAGAP antisense RNA 1; plus strand). Cytogenetic location: 6q25.3.
Variant type: single nucleotide variant.
Coding change: c.-345G>C on transcript NM_031924.8 (MANE Select); 345 bases upstream of the start codon, G replaced by C.
Molecular consequence: 5 prime UTR variant. On other transcripts: missense variant (1), non-coding transcript variant (1).
Genome position (GRCh38, 1-based): chr6:158,999,895, C>G on the plus strand (G>C on the coding strand, the complement: RSPH3 is on the minus strand). VCF-style: chr6-158999895-C-G. GRCh37 (hg19) VCF-style: chr6-159420927-C-G.
Other names: c.82G>C (NM_031924.4); c.82G>C, p.Gly28Arg (NM_001346418.1); short protein forms G28R.
Identifiers: ClinVar variation 1908719 (VCV001908719.6), dbSNP rs1778804658, ClinGen allele CA366285897.